The following is an entry in ClinVar:

ClinVar aggregate classification (germline): Uncertain significance (1 of 4 stars; one submission).

Conditions:
Charcot-Marie-Tooth disease type 2R. Also called: CHARCOT-MARIE-TOOTH DISEASE, AXONAL, AUTOSOMAL RECESSIVE, TYPE 2R; Charcot-Marie-Tooth disease, axonal, type 2R; CHARCOT-MARIE-TOOTH NEUROPATHY, TYPE 2R. Identifiers: Orphanet 397968, MedGen C3809655, MONDO:0014208, OMIM 615490.

Submission:

Labcorp Genetics (formerly Invitae), Labcorp
Classification: Uncertain significance for Charcot-Marie-Tooth disease type 2R. Last evaluated: 2023-08-07. Review status: criteria provided, single submitter. Criteria: Invitae Variant Classification Sherloc (09022015). Collection method: clinical testing. Allele origin: germline.
Comment: This sequence change replaces threonine, which is neutral and polar, with asparagine, which is neutral and polar, at codon 214 of the TRIM2 protein (p.Thr214Asn). In summary, the available evidence is currently insufficient to determine the role of this variant in disease. Therefore, it has been classified as a Variant of Uncertain Significance. An algorithm developed to predict the effect of missense changes on protein structure and function (PolyPhen-2) suggests that this variant is likely to be tolerated. This variant has not been reported in the literature in individuals affected with TRIM2-related conditions. This variant is not present in population databases (gnomAD no frequency).

NM_015271.5(TRIM2):c.722C>A (p.Thr241Asn)

Gene: TRIM2 (tripartite motif containing 2; plus strand). Cytogenetic location: 4q31.3.
Variant type: single nucleotide variant.
Coding change: c.722C>A on transcript NM_015271.5 (MANE Select); coding-DNA position 722, C replaced by A.
Protein change: p.Thr241Asn; replaces threonine 241 with asparagine.
Molecular consequence: missense variant. On other transcripts: intron variant (2).
Genome position (GRCh38, 1-based): chr4:153,294,421, C>A. VCF-style: chr4-153294421-C-A. GRCh37 (hg19) VCF-style: chr4-154215573-C-A.
Other names: c.641C>A, p.Thr214Asn (NM_001130067.2, NM_001351056.2, NM_001375512.1 and 5 more transcripts); c.695C>A, p.Thr232Asn (NM_001351054.2); c.692C>A, p.Thr231Asn (NM_001351055.2); c.266C>A, p.Thr89Asn (NM_001351057.2); c.815C>A, p.Thr272Asn (NM_001375488.1); c.812C>A, p.Thr271Asn (NM_001375489.1); c.722C>A, p.Thr241Asn (NM_001375490.1); c.719C>A, p.Thr240Asn (NM_001375491.1); and 3 more; short protein forms T231N, T271N, T272N, T232N, T214N, T128N, T240N, T241N.
Identifiers: ClinVar variation 2750963 (VCV002750963.3), dbSNP rs2546519004, ClinGen allele CA358472114.